The following is an entry in ClinVar:

NM_005188.4(CBL):c.881G>A (p.Arg294Gln)

Gene: CBL (Cbl proto-oncogene; plus strand). Cytogenetic location: 11q23.3.
Variant type: single nucleotide variant.
Coding change: c.881G>A on transcript NM_005188.4 (MANE Select); coding-DNA position 881, G replaced by A.
Protein change: p.Arg294Gln; replaces arginine 294 with glutamine.
Molecular consequence: missense variant.
Genome position (GRCh38, 1-based): chr11:119,276,008, G>A. VCF-style: chr11-119276008-G-A. GRCh37 (hg19) VCF-style: chr11-119146718-G-A.
Other names: short protein forms R294Q.
Identifiers: ClinVar variation 3768816 (VCV003768816.1).
Genomic context (GRCh38, chr11:119,276,008, plus strand): 5'-CGTAATACCAGCATAATCTACTAAAGCTTCTGTTTATGTCTGTTCATAGTTATATCTTCC[G>A]GCTGAGCTGTACTCGTCTGGGTCAGTGGGCTATTGGGTATGTTACTGCTGATGGGAACAT-3'
Protein context (NP_005179.2, residues 284-304): FIHKPGSYIF[Arg294Gln]LSCTRLGQWA

ClinVar aggregate classification (germline): Uncertain significance (1 of 4 stars; one submission).

gnomAD v4.1: 7 of 1,613,984 alleles (0.00043%); highest among the groups gnomAD compares: South Asian, 0.0011%; no homozygotes.

Submission:

Women's Health and Genetics/Laboratory Corporation of America, LabCorp
Classification: Uncertain significance. Last evaluated: 2025-02-03. Review status: criteria provided, single submitter. Criteria: LabCorp Variant Classification Summary - May 2015. Collection method: clinical testing. Allele origin: germline.
Comment: Variant summary: CBL c.881G>A (p.Arg294Gln) results in a conservative amino acid change in the encoded protein sequence. Four of five in-silico tools predict a damaging effect of the variant on protein function. The variant allele was found at a frequency of 8e-06 in 251490 control chromosomes. The available data on variant occurrences in the general population are insufficient to allow any conclusion about variant significance. To our knowledge, no occurrence of c.881G>A in individuals affected with Noonan Syndrome-Like Disorder and no experimental evidence demonstrating its impact on protein function have been reported. No submitters have cited clinical-significance assessments for this variant to ClinVar. Based on the evidence outlined above, the variant was classified as uncertain significance.